The following is an entry in ClinVar:

NM_058195.4(CDKN2A):c.54G>C (p.Pro18=)

Gene: CDKN2A (cyclin dependent kinase inhibitor 2A; minus strand). Cytogenetic location: 9p21.3.
Variant type: single nucleotide variant.
Coding change: c.54G>C on transcript NM_058195.4 (MANE Plus Clinical); coding-DNA position 54, G replaced by C.
Protein change: p.Pro18=; no amino-acid change (proline 18 retained).
Molecular consequence: synonymous variant. On other transcripts: intron variant (1).
Genome position (GRCh38, 1-based): chr9:21,994,278, C>G on the plus strand (G>C on the coding strand, the complement: CDKN2A is on the minus strand). VCF-style: chr9-21994278-C-G. GRCh37 (hg19) VCF-style: chr9-21994277-C-G.
Other names: c.-4+543G>C (NM_001363763.2).
Identifiers: ClinVar variation 4294200 (VCV004294200.1).

ClinVar aggregate classification (germline): Benign (1 of 4 stars; one submission).

Conditions:
Melanoma-pancreatic cancer syndrome. Identifiers: Orphanet 404560, MedGen C1838547, MONDO:0011713, OMIM 606719. Disease mechanism: loss of function.

gnomAD v4.1: 1 of 1,604,010 alleles (0.000062%); highest among the groups gnomAD compares: Non-Finnish European, 0.000085%; no homozygotes.

Submission:

Myriad Genetics, Inc.
Classification: Benign for Melanoma-pancreatic cancer syndrome. Last evaluated: 2025-08-12. Review status: criteria provided, single submitter. Criteria: Myriad Autosomal Dominant, Autosomal Recessive and X-Linked Classification Criteria (2023). Collection method: clinical testing. Allele origin: unknown.
Comment: This variant is considered benign. This variant is a silent/synonymous amino acid change and it is not expected to impact splicing.